The following is an entry in ClinVar:

NM_021267.5(CERS1):c.528G>A (p.Ser176=)

Genes: GDF1 (growth differentiation factor 1; minus strand), CERS1 (ceramide synthase 1; minus strand). Cytogenetic location: 19p13.11.
Variant type: single nucleotide variant.
Coding change: c.528G>A on transcript NM_021267.5 (MANE Select); coding-DNA position 528, G replaced by A.
Protein change: p.Ser176=; no amino-acid change (serine 176 retained).
Molecular consequence: synonymous variant. On other transcripts: 5 prime UTR variant (2).
Genome position (GRCh38, 1-based): chr19:18,884,149, C>T on the plus strand (G>A on the coding strand, the complement: CERS1 is on the minus strand). VCF-style: chr19-18884149-C-T. GRCh37 (hg19) VCF-style: chr19-18994958-C-T.
Other names: c.528G>A (NM_021267.4); c.234G>A, p.Ser78= (NM_001290265.2, NM_001387442.1, NM_001387443.1 and 2 more transcripts); c.528G>A, p.Ser176= (NM_001387439.1, NM_001387440.1, NM_001387441.1 and 1 more transcripts); c.-375G>A (NM_001387438.1); c.-795G>A (NM_001492.6).
Identifiers: ClinVar variation 1137390 (VCV001137390.10), dbSNP rs756017318, ClinGen allele CA9318240.

ClinVar aggregate classification (germline): Likely benign. Review status: criteria provided, multiple submitters, no conflicts (2 of 4 stars). 2 submissions from 2 submitters: Likely benign (2). Last evaluated 2025-10-30.

Conditions:
CERS1-related disorder. Also called: CERS1-related condition.
Progressive myoclonic epilepsy type 8. Identifiers: Orphanet 424027, MedGen C5190825, MONDO:0014545, OMIM 616230.

Allele frequency attached by ClinVar (database versions not stated): gnomAD exomes below 0.00001 and 0.00001; TOPMed below 0.00001; ExAC 0.00002.
gnomAD v4.1: 3 of 1,613,706 alleles (0.00019%); highest among the groups gnomAD compares: East Asian, 0.0045%; no homozygotes.

Submissions (2):

PreventionGenetics, part of Exact Sciences
Classification: Likely benign for CERS1-related condition. Last evaluated: 2025-10-30. Review status: criteria provided, single submitter. Criteria: ACMG Guidelines, 2015. Collection method: clinical testing. Allele origin: germline.
Comment: This variant is classified as likely benign based on ACMG/AMP sequence variant interpretation guidelines (Richards et al. 2015 PMID: 25741868, with internal and published modifications).

Labcorp Genetics (formerly Invitae), Labcorp
Classification: Likely benign for Progressive myoclonic epilepsy type 8. Last evaluated: 2022-03-08. Review status: criteria provided, single submitter. Criteria: Invitae Variant Classification Sherloc (09022015). Collection method: clinical testing. Allele origin: germline.